The following is an entry in ClinVar:

NM_201384.3(PLEC):c.10906G>A (p.Gly3636Ser)

Gene: PLEC (plectin; minus strand). Cytogenetic location: 8q24.3.
Variant type: single nucleotide variant.
Coding change: c.10906G>A on transcript NM_201384.3 (MANE Select); coding-DNA position 10906, G replaced by A.
Protein change: p.Gly3636Ser; replaces glycine 3636 with serine.
Molecular consequence: missense variant.
Genome position (GRCh38, 1-based): chr8:143,918,915, C>T on the plus strand (G>A on the coding strand, the complement: PLEC is on the minus strand). VCF-style: chr8-143918915-C-T. GRCh37 (hg19) VCF-style: chr8-144993083-C-T.
Other names: c.10987G>A, p.Gly3663Ser (NM_000445.5); c.7606G>A, p.Gly2536Ser (NM_001410941.1); c.10864G>A, p.Gly3622Ser (NM_201378.4); c.10840G>A, p.Gly3614Ser (NM_201379.3); c.11317G>A, p.Gly3773Ser (NM_201380.4); c.10810G>A, p.Gly3604Ser (NM_201381.3); c.10906G>A, p.Gly3636Ser (NM_201382.4); c.10918G>A, p.Gly3640Ser (NM_201383.3); short protein forms G3604S, G3614S, G3622S, G3663S, G3636S, G3773S, G2536S, G3640S.
Identifiers: ClinVar variation 2150454 (VCV002150454.4), dbSNP rs2539370445, ClinGen allele CA372495729.

ClinVar aggregate classification (germline): Uncertain significance (1 of 4 stars; one submission).

Conditions:
Epidermolysis bullosa simplex 5B, with muscular dystrophy (EBS5B). Also called: EPIDERMOLYSIS BULLOSA SIMPLEX AND LIMB-GIRDLE MUSCULAR DYSTROPHY; Epidermolysis bullosa simplex with muscular dystrophy. Identifiers: Orphanet 257, MedGen C2931072, MONDO:0009181, OMIM 226670.
Epidermolysis bullosa simplex, Ogna type (EBS5A). Also called: Pidermolysis bullosa simplex 5A, Ogna type; EPIDERMOLYSIS BULLOSA SIMPLEX 5A, OGNA TYPE. Identifiers: Orphanet 79401, MedGen C0432317, MONDO:0007555, OMIM 131950.
Epidermolysis bullosa simplex 5C, with pyloric atresia (EBS5C). Also called: PLEC-Related Epidermolysis Bullosa with Pyloric Atresia; Epidermolysis bullosa simplex with pyloric atresia; PLEC1-Related Epidermolysis Bullosa with Pyloric Atresia. Identifiers: Orphanet 158684, MedGen C2677349, MONDO:0012807, OMIM 612138.
Autosomal recessive limb-girdle muscular dystrophy type 2Q (LGMDR17). Also called: MUSCULAR DYSTROPHY, LIMB-GIRDLE, AUTOSOMAL RECESSIVE 17. Identifiers: Orphanet 254361, MedGen C3150989, MONDO:0013390, OMIM 613723.
Epidermolysis bullosa simplex with nail dystrophy (EBS5D). Identifiers: MedGen C4225309, MONDO:0014661, OMIM 616487.

gnomAD v4.1: 1 of 1,611,220 alleles (0.000062%); highest among the groups gnomAD compares: South Asian, 0.0011%; no homozygotes.

Submission:

Labcorp Genetics (formerly Invitae), Labcorp
Classification: Uncertain significance for Autosomal recessive limb-girdle muscular dystrophy type 2Q; Epidermolysis bullosa simplex, Ogna type; Epidermolysis bullosa simplex with nail dystrophy; Epidermolysis bullosa simplex 5C, with pyloric atresia; Epidermolysis bullosa simplex 5B, with muscular dystrophy. Last evaluated: 2022-09-30. Review status: criteria provided, single submitter. Criteria: Invitae Variant Classification Sherloc (09022015). Collection method: clinical testing. Allele origin: germline.
Comment: This sequence change replaces glycine, which is neutral and non-polar, with serine, which is neutral and polar, at codon 3663 of the PLEC protein (p.Gly3663Ser). This variant is not present in population databases (gnomAD no frequency). In summary, the available evidence is currently insufficient to determine the role of this variant in disease. Therefore, it has been classified as a Variant of Uncertain Significance. Algorithms developed to predict the effect of missense changes on protein structure and function output the following: SIFT: "Tolerated"; PolyPhen-2: "Benign"; Align-GVGD: "Class C0". The serine amino acid residue is found in multiple mammalian species, which suggests that this missense change does not adversely affect protein function. This variant has not been reported in the literature in individuals affected with PLEC-related conditions.